The following is an entry in ClinVar:

ClinVar aggregate classification (germline): Conflicting classifications of pathogenicity. Review status: criteria provided, conflicting classifications (1 of 4 stars). 10 submissions from 10 submitters: Uncertain significance (2); Benign (2); Likely benign (6). Last evaluated 2026-01-27.

Conditions:
Inborn genetic diseases. Identifiers: MedGen C0950123, MeSH D030342.
Collagen 6-related myopathy. Identifiers: MedGen CN117976, MONDO:0100225.
Bethlem myopathy 1A. Also called: Bethlem Muscular Dystrophy; Bethlem myopathy 1; MYOPATHY, BENIGN CONGENITAL, WITH CONTRACTURES. Identifiers: Orphanet 610, MedGen CN029274, MONDO:0024530, OMIM 158810.

Allele frequency attached by ClinVar (database versions not stated): 1000 Genomes Project 30x 0.00047; gnomAD 0.00113 and 0.00124; TOPMed 0.00141; gnomAD exomes 0.00014 and 0.00031; 1000 Genomes Project 0.00060; ESP Exome Variant Server 0.00146; ExAC 0.00045.
gnomAD v4.1: 381 of 1,611,808 alleles (0.024%); highest among the groups gnomAD compares: African/African-American, 0.4%; 2 homozygotes.

Submissions (13):

Labcorp Genetics (formerly Invitae), Labcorp
Classification: Likely benign for Bethlem myopathy 1A. Last evaluated: 2026-01-27. Review status: criteria provided, single submitter. Criteria: Invitae Variant Classification Sherloc (09022015). Collection method: clinical testing. Allele origin: germline.

CeGaT Center for Human Genetics Tuebingen
Classification: Likely benign. Last evaluated: 2026-01-01. Review status: criteria provided, single submitter. Criteria: CeGaT Center For Human Genetics Tuebingen Variant Classification Criteria Version 2. Collection method: clinical testing. Allele origin: germline. Affected: yes. Observed: 1 variant allele.
Comment: COL6A3: BS1

Ambry Genetics
Classification: Uncertain significance for Inborn genetic diseases. Last evaluated: 2025-07-02. Review status: criteria provided, single submitter. Criteria: Ambry Variant Classification Scheme 2023. Collection method: clinical testing. Allele origin: germline.

Blueprint Genetics
Classification: Likely benign. Last evaluated: 2024-10-03. Review status: criteria provided, single submitter. Criteria: ACMG Guidelines, 2015. Collection method: clinical testing. Allele origin: germline.

Mayo Clinic Laboratories, Mayo Clinic
Classification: Uncertain significance. Last evaluated: 2023-12-05. Review status: criteria provided, single submitter. Criteria: ACMG Guidelines, 2015. Collection method: clinical testing. Allele origin: germline. Observed: 3 variant alleles.
Comment: BS1, PP3

Revvity Omics, Revvity
Classification: Likely benign. Last evaluated: 2023-09-20. Review status: criteria provided, single submitter. Criteria: ACMG Guidelines, 2015. Collection method: clinical testing. Allele origin: germline.

GeneDx
Classification: Likely benign. Last evaluated: 2021-04-06. Review status: criteria provided, single submitter. Criteria: GeneDx Variant Classification Process June 2021. Collection method: clinical testing. Allele origin: germline. Affected: yes.

Illumina Laboratory Services, Illumina
Classification: Benign for Collagen VI-related myopathy. Last evaluated: 2018-01-12. Review status: criteria provided, single submitter. Criteria: ICSL Variant Classification Criteria 13 December 2019. Collection method: clinical testing. Allele origin: germline.
Comment: This variant was observed in the ICSL laboratory as part of a predisposition screen in an ostensibly healthy population. It had not been previously curated by ICSL or reported in the Human Gene Mutation Database (HGMD: prior to June 1st, 2018), and was therefore a candidate for classification through an automated scoring system. Utilizing variant allele frequency, disease prevalence and penetrance estimates, and inheritance mode, an automated score was calculated to assess if this variant is too frequent to cause the disease. Based on the score and internal cut-off values, a variant classified as benign is not then subjected to further curation. The score for this variant resulted in a classification of benign for this disease.

Eurofins Ntd Llc (ga)
Classification: Benign. Last evaluated: 2016-07-15. Review status: criteria provided, single submitter. Criteria: EGL Classification Definitions 2015. Collection method: clinical testing. Allele origin: germline. Observed: 4 variant alleles, 4 heterozygotes.

PreventionGenetics, part of Exact Sciences
Classification: Likely benign. Review status: criteria provided, single submitter. Criteria: ACMG Guidelines, 2015. Collection method: clinical testing. Allele origin: germline.

Dr. Peter K. Rogan Lab, Western University
No classification provided (evidence only). Condition: Familial cancer of breast. Review status: no classification provided. Collection method: in vitro. Allele origin: not applicable. Functional consequence: retained intron. Not counted in ClinVar's aggregate classification.

Dr. Peter K. Rogan Lab, Western University
No classification provided (evidence only). Condition: Familial cancer of breast. Review status: no classification provided. Collection method: in vitro. Allele origin: not applicable. Functional consequence: retained intron. Not counted in ClinVar's aggregate classification.

Dr. Peter K. Rogan Lab, Western University
No classification provided (evidence only). Condition: Thyroid cancer, nonmedullary, 1. Review status: no classification provided. Collection method: in vitro. Allele origin: not applicable. Functional consequence: retained intron. Not counted in ClinVar's aggregate classification.

NM_004369.4(COL6A3):c.6751C>T (p.Arg2251Trp)

Gene: COL6A3 (collagen type VI alpha 3 chain; minus strand). Cytogenetic location: 2q37.3.
Variant type: single nucleotide variant.
Coding change: c.6751C>T on transcript NM_004369.4 (MANE Select); coding-DNA position 6751, C replaced by T.
Protein change: p.Arg2251Trp; replaces arginine 2251 with tryptophan.
Molecular consequence: missense variant.
Genome position (GRCh38, 1-based): chr2:237,352,524, G>A on the plus strand (C>T on the coding strand, the complement: COL6A3 is on the minus strand). VCF-style: chr2-237352524-G-A. GRCh37 (hg19) VCF-style: chr2-238261167-G-A.
Other names: c.4930C>T, p.Arg1644Trp (NM_057166.5); c.6133C>T, p.Arg2045Trp (NM_057167.4); short protein forms R1644W, R2045W.
Identifiers: ClinVar variation 166939 (VCV000166939.67), dbSNP rs116690555, ClinGen allele CA233825.
Genomic context (GRCh38, chr2:237,352,524, plus strand): 5'-GCTTGGCAATGTGCCCTCTGTTCAGCTAGAGAGGGGGCTGGTATTAGGACAGGCTTACCC[G>A]AGGTCCAGAAATGCCTTGTTCTCCTATCAGCCCTGGAGGACCAGCAGGACCAGCTGGGCC-3'
Protein context (NP_004360.2, residues 2241-2261): LIGEQGISGP[Arg2251Trp]GSGGAAGAPG